The following is an entry in ClinVar:

ClinVar aggregate classification (germline): Uncertain significance (1 of 4 stars; one submission).

Submission:

GeneDx
Classification: Uncertain significance. Last evaluated: 2025-04-27. Review status: criteria provided, single submitter. Criteria: GeneDx Variant Classification Process June 2021. Collection method: clinical testing. Allele origin: germline. Affected: yes.
Comment: Not observed at significant frequency in large population cohorts (gnomAD); In silico analysis supports that this missense variant has a deleterious effect on protein structure/function; Has not been previously published as pathogenic or benign to our knowledge

NM_001378615.1(CC2D2A):c.2882T>A (p.Ile961Lys)

Genes: CC2D2A (coiled-coil and C2 domain containing 2A; plus strand), FBXL5 (F-box and leucine rich repeat protein 5; minus strand). Cytogenetic location: 4p15.32.
Variant type: single nucleotide variant.
Coding change: c.2882T>A on transcript NM_001378615.1 (MANE Select); coding-DNA position 2882, T replaced by A.
Protein change: p.Ile961Lys; replaces isoleucine 961 with lysine.
Molecular consequence: missense variant.
Genome position (GRCh38, 1-based): chr4:15,559,217, T>A. VCF-style: chr4-15559217-T-A. GRCh37 (hg19) VCF-style: chr4-15560840-T-A.
Other names: c.2882T>A, p.Ile961Lys (NM_001080522.2); c.2735T>A, p.Ile912Lys (NM_001378617.1); short protein forms I912K, I961K.
Identifiers: ClinVar variation 4527215 (VCV004527215.1).